The following is an entry in ClinVar:

NM_017780.4(CHD7):c.6626C>T (p.Ala2209Val)

Gene: CHD7 (chromodomain helicase DNA binding protein 7; plus strand). Cytogenetic location: 8q12.2.
Variant type: single nucleotide variant.
Coding change: c.6626C>T on transcript NM_017780.4 (MANE Select); coding-DNA position 6626, C replaced by T.
Protein change: p.Ala2209Val; replaces alanine 2209 with valine.
Molecular consequence: missense variant. On other transcripts: intron variant (1).
Genome position (GRCh38, 1-based): chr8:60,853,351, C>T. VCF-style: chr8-60853351-C-T. GRCh37 (hg19) VCF-style: chr8-61765910-C-T.
Other names: c.1717-8878C>T (NM_001316690.1); short protein forms A2209V.
Identifiers: ClinVar variation 2506851 (VCV002506851.1), dbSNP rs1405897510, ClinGen allele CA371325981.
Genomic context (GRCh38, chr8:60,853,351, plus strand): 5'-GCAAAGAAGAGGAAGAAGAAACCGATGGCAGCGGGAAGGAGAGCAAGCAGGAATGTGAGG[C>T]AGAGGCCAGCTCTGTGAAAAATGAACTGAAAGGTGTTGAGGTCGGCGCAGACACTGGGTC-3'
Protein context (NP_060250.2, residues 2199-2219): SGKESKQECE[Ala2209Val]EASSVKNELK

ClinVar aggregate classification (germline): Uncertain significance (1 of 4 stars; one submission).

Allele frequency attached by ClinVar (database versions not stated): TOPMed below 0.00001; gnomAD 0.00001.
gnomAD v4.1: 1 of 1,582,938 alleles (0.000063%); highest among the groups gnomAD compares: African/African-American, 0.0014%; no homozygotes.

Submission:

GeneDx
Classification: Uncertain significance. Last evaluated: 2022-12-22. Review status: criteria provided, single submitter. Criteria: GeneDx Variant Classification Process June 2021. Collection method: clinical testing. Allele origin: germline. Affected: yes.
Comment: Not observed at significant frequency in large population cohorts (gnomAD); In silico analysis supports that this missense variant does not alter protein structure/function; Has not been previously published as pathogenic or benign to our knowledge